The following is an entry in ClinVar:

NM_020884.7(MYH7B):c.3673_3675del (p.Glu1225del)

Gene: MYH7B (myosin heavy chain 7B; plus strand). Cytogenetic location: 20q11.22.
Variant type: Deletion.
Coding change: c.3673_3675del on transcript NM_020884.7 (MANE Select); coding-DNA positions 3673 to 3675, 3 bases deleted (GAG; older notation c.3673_3675delGAG).
Protein change: p.Glu1225del; deletes glutamic acid 1225.
Genome position (GRCh38, 1-based): chr20:34,997,566-34,997,568, GAG deleted; deleting any 3 consecutive bases within chr20:34,997,565-34,997,568 gives the same sequence; the c. name uses the placement nearest the transcript's 3' end. VCF-style (leftmost placement, unchanged base first): chr20-34997564-TGGA-T. GRCh37 (hg19) VCF-style: chr20-33585367-TGGA-T.
Other names: short protein forms E1225del.
Identifiers: ClinVar variation 4775046 (VCV004775046.1).

ClinVar aggregate classification (germline): Uncertain significance (1 of 4 stars; one submission).

Submission:

Labcorp Genetics (formerly Invitae), Labcorp
Classification: Uncertain significance. Last evaluated: 2025-10-27. Review status: criteria provided, single submitter. Criteria: Invitae Variant Classification Sherloc (09022015). Collection method: clinical testing. Allele origin: germline.
Comment: This variant, c.3799_3801del, results in the deletion of 1 amino acid(s) of the MYH7B protein (p.Glu1267del), but otherwise preserves the integrity of the reading frame. This variant is present in population databases (rs745388618, gnomAD 0.003%). This variant has not been reported in the literature in individuals affected with MYH7B-related conditions. Experimental studies and prediction algorithms are not available or were not evaluated, and the functional significance of this variant is currently unknown. In summary, the available evidence is currently insufficient to determine the role of this variant in disease. Therefore, it has been classified as a Variant of Uncertain Significance.